The following is an entry in ClinVar:

NM_020207.7(ERCC6L2):c.1438G>A (p.Asp480Asn)

Gene: ERCC6L2 (ERCC excision repair 6 like 2; plus strand). Cytogenetic location: 9q22.32.
Variant type: single nucleotide variant.
Coding change: c.1438G>A on transcript NM_020207.7 (MANE Select); coding-DNA position 1438, G replaced by A.
Protein change: p.Asp480Asn; replaces aspartic acid 480 with asparagine.
Molecular consequence: missense variant. On other transcripts: non-coding transcript variant (1).
Genome position (GRCh38, 1-based): chr9:95,923,284, G>A. VCF-style: chr9-95923284-G-A. GRCh37 (hg19) VCF-style: chr9-98685566-G-A.
Other names: c.1438G>A, p.Asp480Asn (NM_001010895.4, NM_001375291.1, NM_001375292.1 and 2 more transcripts); short protein forms D480N.
Identifiers: ClinVar variation 3845964 (VCV003845964.1).
Genomic context (GRCh38, chr9:95,923,284, plus strand): 5'-GTGGAAATATCTTTTCTTCTGCCTTTTCCCTTCAAGGAAACACTTATCAAAAGGATATGT[G>A]ATCAGGTATTTTCCAGATTCCCAGATTTTGTGCAGAAAAGCAAAGATGCAGCCTTTGAAA-3'
Protein context (NP_064592.3, residues 470-490): QQETLIKRIC[Asp480Asn]QVFSRFPDFV

ClinVar aggregate classification (germline): Uncertain significance (1 of 4 stars; one submission).

Conditions:
Inborn genetic diseases. Identifiers: MedGen C0950123, MeSH D030342.

Submission:

Ambry Genetics
Classification: Uncertain significance for Inborn genetic diseases. Last evaluated: 2025-02-27. Review status: criteria provided, single submitter. Criteria: Ambry Variant Classification Scheme 2023. Collection method: clinical testing. Allele origin: germline.
Comment: The p.D480N variant (also known as c.1438G>A), located in coding exon 9 of the ERCC6L2 gene, results from a G to A substitution at nucleotide position 1438. The aspartic acid at codon 480 is replaced by asparagine, an amino acid with highly similar properties. This amino acid position is conserved. In addition, this alteration is predicted to be tolerated by in silico analysis. Based on the available evidence, the clinical significance of this variant remains unclear.